The following is an entry in ClinVar:

NM_000350.3(ABCA4):c.67-2022del

Gene: ABCA4 (ATP binding cassette subfamily A member 4; minus strand). Cytogenetic location: 1p22.1.
Variant type: Deletion.
Coding change: c.67-2022del on transcript NM_000350.3 (MANE Select); 2022 bases into the intron before coding-DNA position 67, one base deleted (G; older notation c.67-2022delG).
Molecular consequence: intron variant.
Genome position (GRCh38, 1-based): chr1:94,115,088, C deleted on the plus strand (G on the coding strand, the reverse complement: ABCA4 is on the minus strand). VCF-style (leftmost placement, unchanged base first): chr1-94115087-AC-A. GRCh37 (hg19) VCF-style: chr1-94580643-AC-A.
Other names: c.67-2022del (NM_001425324.1).
Identifiers: ClinVar variation 4985236 (VCV004985236.1).
Genomic context (GRCh38, chr1:94,115,087, plus strand): 5'-ATGGGGCTCAGGTCACCAACAGTCTGTAGATTTAAGAAACAGCCTCCCCCAGGGTCATGT[AC>A]ATTGGTGTCTTGTCTTCCATTCTGGATCATTCCATCAGTGGGTAAGGCTGGGGAACAAGT-3'

ClinVar aggregate classification (germline): Likely benign (1 of 4 stars; one submission).

Conditions:
ABCA4-related disorder. Also called: ABCA4-related condition; ABCA4-related disorders. Identifiers: MedGen CN239167.

Submission:

PreventionGenetics, part of Exact Sciences
Classification: Likely benign for ABCA4-related condition. Last evaluated: 2024-12-05. Review status: criteria provided, single submitter. Criteria: ACMG Guidelines, 2015. Collection method: clinical testing. Allele origin: germline.
Comment: This variant is classified as likely benign based on ACMG/AMP sequence variant interpretation guidelines (Richards et al. 2015 PMID: 25741868, with internal and published modifications).